The following is an entry in ClinVar:

ClinVar aggregate classification (germline): Uncertain significance (1 of 4 stars; one submission).

gnomAD v4.1: 2 of 1,612,390 alleles (0.00012%); highest among the groups gnomAD compares: African/African-American, 0.0013%; no homozygotes.

Submission:

Labcorp Genetics (formerly Invitae), Labcorp
Classification: Uncertain significance. Last evaluated: 2024-10-18. Review status: criteria provided, single submitter. Criteria: Invitae Variant Classification Sherloc (09022015). Collection method: clinical testing. Allele origin: germline.
Comment: This sequence change replaces valine, which is neutral and non-polar, with leucine, which is neutral and non-polar, at codon 343 of the LRP5 protein (p.Val343Leu). This variant is present in population databases (rs761479086, gnomAD 0.003%). This variant has not been reported in the literature in individuals affected with LRP5-related conditions. Invitae Evidence Modeling of protein sequence and biophysical properties (such as structural, functional, and spatial information, amino acid conservation, physicochemical variation, residue mobility, and thermodynamic stability) indicates that this missense variant is not expected to disrupt LRP5 protein function with a negative predictive value of 95%. In summary, the available evidence is currently insufficient to determine the role of this variant in disease. Therefore, it has been classified as a Variant of Uncertain Significance.

NM_002335.4(LRP5):c.1027G>T (p.Val343Leu)

Gene: LRP5 (LDL receptor related protein 5; plus strand). Cytogenetic location: 11q13.2.
Variant type: single nucleotide variant.
Coding change: c.1027G>T on transcript NM_002335.4 (MANE Select); coding-DNA position 1027, G replaced by T.
Protein change: p.Val343Leu; replaces valine 343 with leucine.
Molecular consequence: missense variant. On other transcripts: 5 prime UTR variant (1).
Genome position (GRCh38, 1-based): chr11:68,386,327, G>T. VCF-style: chr11-68386327-G-T. GRCh37 (hg19) VCF-style: chr11-68153795-G-T.
Other names: c.-739G>T (NM_001291902.2); short protein forms V343L.
Identifiers: ClinVar variation 3619931 (VCV003619931.2).
Genomic context (GRCh38, chr11:68,386,327, plus strand): 5'-GCCTGCTGCAGGCCCTTGACCCCTGACCCCATTGCACCTGTCTCCACAGGAGCCGAGGAG[G>T]TGCTGCTGCTGGCCCGGCGGACGGACCTACGGAGGATCTCGCTGGACACGCCGGACTTCA-3'
Protein context (NP_002326.2, residues 333-353): GRTCKAGAEE[Val343Leu]LLLARRTDLR